The following is an entry in ClinVar:

ClinVar aggregate classification (germline): Uncertain significance (1 of 4 stars; one submission).

Allele frequency attached by ClinVar (database versions not stated): TOPMed below 0.00001.

Submission:

Ambry Genetics
Classification: Uncertain significance. Last evaluated: 2021-06-15. Review status: criteria provided, single submitter. Criteria: Ambry Variant Classification Scheme 2023. Collection method: clinical testing. Allele origin: germline.
Comment: The p.A280D variant (also known as c.839C>A), located in coding exon 6 of the POLQ gene, results from a C to A substitution at nucleotide position 839. The alanine at codon 280 is replaced by aspartic acid, an amino acid with dissimilar properties. This amino acid position is conserved. In addition, this alteration is predicted to be deleterious by in silico analysis. Since supporting evidence is limited at this time, the clinical significance of this alteration remains unclear.

NM_199420.4(POLQ):c.839C>A (p.Ala280Asp)

Gene: POLQ (DNA polymerase theta; minus strand). Cytogenetic location: 3q13.33.
Variant type: single nucleotide variant.
Coding change: c.839C>A on transcript NM_199420.4 (MANE Select); coding-DNA position 839, C replaced by A.
Protein change: p.Ala280Asp; replaces alanine 280 with aspartic acid.
Molecular consequence: missense variant.
Genome position (GRCh38, 1-based): chr3:121,533,111, G>T on the plus strand (C>A on the coding strand, the complement: POLQ is on the minus strand). VCF-style: chr3-121533111-G-T. GRCh37 (hg19) VCF-style: chr3-121251958-G-T.
Other names: short protein forms A280D.
Identifiers: ClinVar variation 1763214 (VCV001763214.2), dbSNP rs2048424000, ClinGen allele CA354126417.
Genomic context (GRCh38, chr3:121,533,111, plus strand): 5'-TTTCCAACTTTTACTGACTCCAAAAGCGGTACAGGGCGAAAGTCGGTATGGTAGAGTTCA[G>T]CATTCAACCAGGAAGCCACAAGCTCCAAATTAGGAAGGGTAGCACTCATGCCAACGATTT-3'
Protein context (NP_955452.3, residues 270-290): NLELVASWLN[Ala280Asp]ELYHTDFRPV